The following is an entry in ClinVar:

ClinVar aggregate classification (germline): Pathogenic. Review status: criteria provided, multiple submitters, no conflicts (2 of 4 stars). 2 submissions from 2 submitters: Pathogenic (2). Last evaluated 2025-12-18.

Conditions:
Wolman disease (WOLD). Also called: Infantile-Onset LAL-D (Wolman Disease); LIPA DEFICIENCY, COMPLETE; LAL DEFICIENCY, COMPLETE; CHOLESTEROL ESTER HYDROLASE DEFICIENCY, COMPLETE; Acid cholesteryl ester hydrolase deficiency, Wolman type; Acid lipase disease. Identifiers: Orphanet 75233, MedGen C0043208, MONDO:0019148, OMIM 620151.
Lysosomal acid lipase deficiency. Also called: Acid cholesteryl ester hydrolase deficiency, type 2. Identifiers: Orphanet 275761, MedGen C5574740, MONDO:0800449, MONDO:0010204.

Submissions (2):

Natera, Inc.
Classification: Pathogenic for Lysosomal acid lipase deficiency. Last evaluated: 2025-12-18. Review status: criteria provided, single submitter. Criteria: Natera Variant Classification Schema (03/2026). Collection method: clinical testing. Allele origin: germline.
Comment: The c.780_781delCT variant in LIPA is a frameshift variant predicted to shift the reading frame beginning at codon 261 and leads to a stop codon 7 codons downstream. This variant is expected to result in nonsense mediated decay, truncation, or a dysfunctional protein product. This variant is rare in the general population with a frequency below the threshold expected for the associated phenotype(s). This variant has been observed in one or more individuals affected with the associated recessive disease, as either homozygous or compound heterozygous with a second variant (PMID: 38572778). Given the available evidence, this variant is classified as Pathogenic.

Labcorp Genetics (formerly Invitae), Labcorp
Classification: Pathogenic for Wolman disease. Last evaluated: 2023-08-31. Review status: criteria provided, single submitter. Criteria: Invitae Variant Classification Sherloc (09022015). Collection method: clinical testing. Allele origin: germline.
Comment: This sequence change creates a premature translational stop signal (p.Cys261Phefs*7) in the LIPA gene. It is expected to result in an absent or disrupted protein product. Loss-of-function variants in LIPA are known to be pathogenic (PMID: 23485521). This variant is present in population databases (no rsID available, gnomAD 0.0009%). This variant has not been reported in the literature in individuals affected with LIPA-related conditions. For these reasons, this variant has been classified as Pathogenic.

Literature cited by the submitters: PubMed 38572778 (cited by Natera, Inc.); PubMed 23485521 (cited by Labcorp Genetics (formerly Invitae), Labcorp).

NM_000235.4(LIPA):c.780_781del (p.Cys261fs)

Gene: LIPA (lipase A, lysosomal acid type; minus strand). Cytogenetic location: 10q23.31.
Variant type: Microsatellite.
Coding change: c.780_781del on transcript NM_000235.4 (MANE Select); coding-DNA positions 780 to 781, 2 bases deleted (CT; older notation c.780_781delCT).
Protein change: p.Cys261fs; shifts the reading frame from cysteine 261.
Molecular consequence: frameshift variant.
Genome position (GRCh38, 1-based): chr10:89,223,725-89,223,726, AG deleted on the plus strand (CT on the coding strand, the reverse complement: LIPA is on the minus strand); deleting any 2 consecutive bases within chr10:89,223,725-89,223,729 gives the same sequence; the c. name uses the placement nearest the transcript's 3' end. VCF-style (leftmost placement, unchanged base first): chr10-89223724-CAG-C. GRCh37 (hg19) VCF-style: chr10-90983481-CAG-C.
Other names: c.780_781del, p.Cys261fs (NM_001127605.3); c.432_433del, p.Cys145fs (NM_001288979.2); c.780_781delCT (NM_000235.3); short protein forms C261fs, C145fs.
Identifiers: ClinVar variation 2741248 (VCV002741248.4), dbSNP rs1408407724, ClinGen allele CA594955466.